The following is an entry in ClinVar:

NM_001267550.2(TTN):c.64283T>C (p.Val21428Ala)

Genes: TTN (titin; minus strand), TTN-AS1 (TTN antisense RNA 1; plus strand). Cytogenetic location: 2q31.2.
Variant type: single nucleotide variant.
Coding change: c.64283T>C on transcript NM_001267550.2 (MANE Select); coding-DNA position 64283, T replaced by C.
Protein change: p.Val21428Ala; replaces valine 21428 with alanine.
Molecular consequence: missense variant.
Genome position (GRCh38, 1-based): chr2:178,586,618, A>G on the plus strand (T>C on the coding strand, the complement: TTN is on the minus strand). VCF-style: chr2-178586618-A-G. GRCh37 (hg19) VCF-style: chr2-179451345-A-G.
Other names: c.59360T>C, p.Val19787Ala (NM_001256850.1); c.37088T>C, p.Val12363Ala (NM_003319.4); c.56579T>C, p.Val18860Ala (NM_133378.4); c.37463T>C, p.Val12488Ala (NM_133432.3); c.37664T>C, p.Val12555Ala (NM_133437.4); short protein forms V12363A, V12555A, V18860A, V19787A, V21428A, V12488A.
Identifiers: ClinVar variation 680900 (VCV000680900.2), dbSNP rs1576014979, ClinGen allele CA349442081.

ClinVar aggregate classification (germline): Conflicting classifications of pathogenicity. Review status: criteria provided, conflicting classifications (1 of 4 stars). 2 submissions from 2 submitters: Uncertain significance (1); Likely benign (1). Last evaluated 2021-07-06.

Allele frequency attached by ClinVar (database versions not stated): TOPMed below 0.00001; gnomAD 0.00001.
gnomAD v4.1: 2 of 1,613,070 alleles (0.00012%); highest among the groups gnomAD compares: Non-Finnish European, 0.000085%; no homozygotes.

Submissions (2):

Women's Health and Genetics/Laboratory Corporation of America, LabCorp
Classification: Uncertain significance. Last evaluated: 2021-07-06. Review status: criteria provided, single submitter. Criteria: LabCorp Variant Classification Summary - May 2015. Collection method: clinical testing. Allele origin: germline.
Comment: Variant summary: TTN c.56579T>C (p.Val18860Ala) results in a non-conservative amino acid change located in the A-Band domain of the encoded protein sequence. Two of four in-silico tools predict a benign effect of the variant on protein function. The variant was absent in 248566 control chromosomes. The available data on variant occurrences in the general population are insufficient to allow any conclusion about variant significance. To our knowledge, no occurrence of c.56579T>C in individuals affected with Dilated Cardiomyopathy and no experimental evidence demonstrating its impact on protein function have been reported. One clinical diagnostic laboratory has submitted clinical-significance assessments for this variant to ClinVar after 2014 without evidence for independent evaluation. One laboratory classified the variant as likely benign. Based on the evidence outlined above, the variant was classified as uncertain significance.

GeneDx
Classification: Likely benign. Last evaluated: 2018-03-15. Review status: criteria provided, single submitter. Criteria: GeneDx Variant Classification (06012015). Collection method: clinical testing. Allele origin: germline. Affected: yes.
Comment: This variant is considered likely benign or benign based on one or more of the following criteria: it is a conservative change, it occurs at a poorly conserved position in the protein, it is predicted to be benign by multiple in silico algorithms, and/or has population frequency not consistent with disease.